The following is an entry in ClinVar:

NM_002439.5(MSH3):c.1946A>G (p.Lys649Arg)

Gene: MSH3 (mutS homolog 3; plus strand). Cytogenetic location: 5q14.1.
Variant type: single nucleotide variant.
Coding change: c.1946A>G on transcript NM_002439.5 (MANE Select); coding-DNA position 1946, A replaced by G.
Protein change: p.Lys649Arg; replaces lysine 649 with arginine.
Molecular consequence: missense variant.
Genome position (GRCh38, 1-based): chr5:80,767,982, A>G. VCF-style: chr5-80767982-A-G. GRCh37 (hg19) VCF-style: chr5-80063801-A-G.
Other names: short protein forms K649R.
Identifiers: ClinVar variation 2785707 (VCV002785707.3), dbSNP rs2546773584, ClinGen allele CA360277538.

ClinVar aggregate classification (germline): Uncertain significance (1 of 4 stars; one submission).

Submission:

Labcorp Genetics (formerly Invitae), Labcorp
Classification: Uncertain significance. Last evaluated: 2024-03-27. Review status: criteria provided, single submitter. Criteria: Invitae Variant Classification Sherloc (09022015). Collection method: clinical testing. Allele origin: germline.
Comment: This sequence change replaces lysine, which is basic and polar, with arginine, which is basic and polar, at codon 649 of the MSH3 protein (p.Lys649Arg). This variant is not present in population databases (gnomAD no frequency). This variant has not been reported in the literature in individuals affected with MSH3-related conditions. An algorithm developed to predict the effect of missense changes on protein structure and function (PolyPhen-2) suggests that this variant is likely to be tolerated. RNA analysis performed to evaluate the impact of this missense change on mRNA splicing indicates it does not significantly alter splicing (Invitae). In summary, the available evidence is currently insufficient to determine the role of this variant in disease. Therefore, it has been classified as a Variant of Uncertain Significance.